The following is an entry in ClinVar:

NM_213655.5(WNK1):c.3217C>T (p.Arg1073Cys)

Gene: WNK1 (WNK lysine deficient protein kinase 1; plus strand). Cytogenetic location: 12p13.33.
Variant type: single nucleotide variant.
Coding change: c.3217C>T on transcript NM_213655.5 (MANE Plus Clinical); coding-DNA position 3217, C replaced by T.
Protein change: p.Arg1073Cys; replaces arginine 1073 with cysteine.
Molecular consequence: missense variant. On other transcripts: intron variant (2).
Genome position (GRCh38, 1-based): chr12:868,688, C>T. VCF-style: chr12-868688-C-T. GRCh37 (hg19) VCF-style: chr12-977854-C-T.
Other names: c.2962C>T, p.Arg988Cys (NM_001184985.2); c.2140-2577C>T (NM_018979.4, NM_014823.3); short protein forms R1073C, R988C.
Identifiers: ClinVar variation 1042496 (VCV001042496.8), dbSNP rs779146935, ClinGen allele CA6382313.

ClinVar aggregate classification (germline): Uncertain significance (1 of 4 stars; one submission).

Conditions:
Neuropathy, hereditary sensory and autonomic, type 2A (HSAN2A). Also called: MORVAN DISEASE; NEUROPATHY, CONGENITAL SENSORY; NEUROPATHY, HEREDITARY SENSORY RADICULAR, AUTOSOMAL RECESSIVE; NEUROPATHY, HEREDITARY SENSORY, TYPE IIA; NEUROPATHY, PROGRESSIVE SENSORY, OF CHILDREN; WNK1-Related HSAN2 (HSAN2A). Identifiers: Orphanet 970, MedGen C2752089, MONDO:0024309, OMIM 201300.
Pseudohypoaldosteronism type 2C (PHA2C). Also called: Pseudohypoaldosteronism Type IIC. Identifiers: Orphanet 757, Orphanet 88940, MedGen C1840391, MONDO:0013778, OMIM 614492.

Allele frequency attached by ClinVar (database versions not stated): gnomAD exomes 0.00001 and 0.00004; ExAC 0.00007; TOPMed 0.00008.
gnomAD v4.1: 19 of 1,613,752 alleles (0.0012%); highest among the groups gnomAD compares: East Asian, 0.025%; no homozygotes.

Submission:

Labcorp Genetics (formerly Invitae), Labcorp
Classification: Uncertain significance for Neuropathy, hereditary sensory and autonomic, type 2A; Pseudohypoaldosteronism type 2C. Last evaluated: 2020-05-01. Review status: criteria provided, single submitter. Criteria: Invitae Variant Classification Sherloc (09022015). Collection method: clinical testing. Allele origin: germline.
Comment: This sequence change replaces arginine with cysteine at codon 1073 of the WNK1 protein (p.Arg1073Cys). The arginine residue is weakly conserved and there is a large physicochemical difference between arginine and cysteine. This variant is present in population databases (rs779146935, ExAC 0.1%). This variant has not been reported in the literature in individuals with WNK1-related conditions. Algorithms developed to predict the effect of missense changes on protein structure and function are either unavailable or do not agree on the potential impact of this missense change (SIFT: "Deleterious"; PolyPhen-2: "Not Available"; Align-GVGD: "Class C35"). Algorithms developed to predict the effect of sequence changes on RNA splicing suggest that this variant may create or strengthen a splice site, but this prediction has not been confirmed by published transcriptional studies. In summary, the available evidence is currently insufficient to determine the role of this variant in disease. Therefore, it has been classified as a Variant of Uncertain Significance.